The following is an entry in ClinVar:

NM_001116.4(ADCY9):c.2898G>C (p.Ser966=)

Gene: ADCY9 (adenylate cyclase 9; minus strand). Cytogenetic location: 16p13.3.
Variant type: single nucleotide variant.
Coding change: c.2898G>C on transcript NM_001116.4 (MANE Select); coding-DNA position 2898, G replaced by C.
Protein change: p.Ser966=; no amino-acid change (serine 966 retained).
Molecular consequence: synonymous variant.
Genome position (GRCh38, 1-based): chr16:3,966,939, C>G on the plus strand (G>C on the coding strand, the complement: ADCY9 is on the minus strand). VCF-style: chr16-3966939-C-G. GRCh37 (hg19) VCF-style: chr16-4016940-C-G.
Identifiers: ClinVar variation 2646145 (VCV002646145.24), dbSNP rs769823999, ClinGen allele CA276975949.

ClinVar aggregate classification (germline): Likely benign (1 of 4 stars; one submission).

gnomAD v4.1: 1 of 1,613,368 alleles (0.000062%); highest among the groups gnomAD compares: African/African-American, 0.0013%; no homozygotes.

Submission:

CeGaT Center for Human Genetics Tuebingen
Classification: Likely benign. Last evaluated: 2022-12-01. Review status: criteria provided, single submitter. Criteria: CeGaT Center For Human Genetics Tuebingen Variant Classification Criteria Version 2. Collection method: clinical testing. Allele origin: germline. Affected: yes. Observed: 1 variant allele.
Comment: ADCY9: PM2:Supporting, BP4, BP7